The following is an entry in ClinVar:

ClinVar aggregate classification (germline): Uncertain significance (1 of 4 stars; one submission).

Conditions:
Long QT syndrome (LQTS). Identifiers: MedGen C0023976, MeSH D008133, MONDO:0002442. Disease mechanism: loss of function. Inheritance: Various modes of inheritance.

gnomAD v4.1: 4 of 1,613,682 alleles (0.00025%); highest among the groups gnomAD compares: Non-Finnish European, 0.00034%; no homozygotes.

Submission:

Labcorp Genetics (formerly Invitae), Labcorp
Classification: Uncertain significance for Long QT syndrome. Last evaluated: 2025-02-26. Review status: criteria provided, single submitter. Criteria: Invitae Variant Classification Sherloc (09022015). Collection method: clinical testing. Allele origin: germline.
Comment: This sequence change replaces threonine, which is neutral and polar, with proline, which is neutral and non-polar, at codon 1998 of the CACNA1C protein (p.Thr1998Pro). This variant is present in population databases (no rsID available, gnomAD 0.0009%). This variant has not been reported in the literature in individuals affected with CACNA1C-related conditions. Invitae Evidence Modeling of protein sequence and biophysical properties (such as structural, functional, and spatial information, amino acid conservation, physicochemical variation, residue mobility, and thermodynamic stability) indicates that this missense variant is not expected to disrupt CACNA1C protein function with a negative predictive value of 95%. In summary, the available evidence is currently insufficient to determine the role of this variant in disease. Therefore, it has been classified as a Variant of Uncertain Significance.

NM_000719.7(CACNA1C):c.5992A>C (p.Thr1998Pro)

Genes: CACNA1C (calcium voltage-gated channel subunit alpha1 C; plus strand), CACNA1C-AS1 (CACNA1C antisense RNA 1; minus strand). Cytogenetic location: 12p13.33.
Variant type: single nucleotide variant.
Coding change: c.5992A>C on transcript NM_000719.7 (MANE Select); coding-DNA position 5992, A replaced by C.
Protein change: p.Thr1998Pro; replaces threonine 1998 with proline.
Molecular consequence: missense variant.
Genome position (GRCh38, 1-based): chr12:2,688,654, A>C. VCF-style: chr12-2688654-A-C. GRCh37 (hg19) VCF-style: chr12-2797820-A-C.
Other names: c.6136A>C, p.Thr2046Pro (NM_001129827.2); c.6115A>C, p.Thr2039Pro (NM_001129829.2); c.6097A>C, p.Thr2033Pro (NM_001129830.3, NM_001167624.3); c.6076A>C, p.Thr2026Pro (NM_001129831.2); c.6052A>C, p.Thr2018Pro (NM_001129832.2); c.6049A>C, p.Thr2017Pro (NM_001129833.2, NM_001129834.2, NM_001129835.2); c.6043A>C, p.Thr2015Pro (NM_001129836.2); c.6016A>C, p.Thr2006Pro (NM_001129837.2, NM_001129838.2); and 6 more; short protein forms T1987P, T2006P, T2026P, T2058P, T1995P, T2004P, T2017P, T2018P.
Identifiers: ClinVar variation 4737928 (VCV004737928.1).